The following is an entry in ClinVar:

ClinVar aggregate classification (germline): Uncertain significance. Review status: criteria provided, multiple submitters, no conflicts (2 of 4 stars). 2 submissions from 2 submitters: Uncertain significance (2). Last evaluated 2025-03-26.

Conditions:
Inborn genetic diseases. Identifiers: MedGen C0950123, MeSH D030342.
Majeed syndrome (MJDS). Also called: LPIN2-Related Majeed Syndrome; CHRONIC RECURRENT MULTIFOCAL OSTEOMYELITIS 1, WITH CONGENITAL DYSERYTHROPOIETIC ANEMIA, WITH OR WITHOUT NEUTROPHILIC DERMATOSIS. Identifiers: Orphanet 77297, MedGen C1864997, MONDO:0012316, OMIM 609628.

gnomAD v4.1: 6 of 1,614,156 alleles (0.00037%); highest among the groups gnomAD compares: South Asian, 0.0011%; no homozygotes.

Submissions (2):

Ambry Genetics
Classification: Uncertain significance for Inborn genetic diseases. Last evaluated: 2025-03-26. Review status: criteria provided, single submitter. Criteria: Ambry Variant Classification Scheme 2023. Collection method: clinical testing. Allele origin: germline.

Labcorp Genetics (formerly Invitae), Labcorp
Classification: Uncertain significance for Majeed syndrome. Last evaluated: 2024-09-27. Review status: criteria provided, single submitter. Criteria: Invitae Variant Classification Sherloc (09022015). Collection method: clinical testing. Allele origin: germline.
Comment: This sequence change replaces threonine, which is neutral and polar, with isoleucine, which is neutral and non-polar, at codon 669 of the LPIN2 protein (p.Thr669Ile). This variant is present in population databases (no rsID available, gnomAD 0.0009%). This variant has not been reported in the literature in individuals affected with LPIN2-related conditions. Invitae Evidence Modeling of protein sequence and biophysical properties (such as structural, functional, and spatial information, amino acid conservation, physicochemical variation, residue mobility, and thermodynamic stability) indicates that this missense variant is expected to disrupt LPIN2 protein function with a positive predictive value of 80%. In summary, the available evidence is currently insufficient to determine the role of this variant in disease. Therefore, it has been classified as a Variant of Uncertain Significance.

NM_001375808.2(LPIN2):c.2006C>T (p.Thr669Ile)

Gene: LPIN2 (lipin 2; minus strand). Cytogenetic location: 18p11.31.
Variant type: single nucleotide variant.
Coding change: c.2006C>T on transcript NM_001375808.2 (MANE Select); coding-DNA position 2006, C replaced by T.
Protein change: p.Thr669Ile; replaces threonine 669 with isoleucine.
Molecular consequence: missense variant.
Genome position (GRCh38, 1-based): chr18:2,924,479, G>A on the plus strand (C>T on the coding strand, the complement: LPIN2 is on the minus strand). VCF-style: chr18-2924479-G-A. GRCh37 (hg19) VCF-style: chr18-2924477-G-A.
Other names: c.2006C>T, p.Thr669Ile (NM_001375809.1, NM_014646.2); short protein forms T669I.
Identifiers: ClinVar variation 3681123 (VCV003681123.3).